The following is an entry in ClinVar:

ClinVar aggregate classification (germline): Uncertain significance (1 of 4 stars; one submission).

gnomAD v4.1: 38 of 1,614,104 alleles (0.0024%); highest among the groups gnomAD compares: Non-Finnish European, 0.0031%; no homozygotes.

Submission:

Mayo Clinic Laboratories, Mayo Clinic
Classification: Uncertain significance. Last evaluated: 2023-08-21. Review status: criteria provided, single submitter. Criteria: ACMG Guidelines, 2015. Collection method: clinical testing. Allele origin: germline. Observed: 1 variant allele.
Comment: BP4, PM2_moderate

NM_015378.4(VPS13D):c.3736A>G (p.Asn1246Asp)

Gene: VPS13D (vacuolar protein sorting 13 homolog D; plus strand). Cytogenetic location: 1p36.22.
Variant type: single nucleotide variant.
Coding change: c.3736A>G on transcript NM_015378.4 (MANE Select); coding-DNA position 3736, A replaced by G.
Protein change: p.Asn1246Asp; replaces asparagine 1246 with aspartic acid.
Molecular consequence: missense variant.
Genome position (GRCh38, 1-based): chr1:12,277,324, A>G. VCF-style: chr1-12277324-A-G. GRCh37 (hg19) VCF-style: chr1-12337381-A-G.
Other names: p.Asn1246Asp; c.3736A>G, p.Asn1246Asp (NM_018156.4); short protein forms N1246D.
Identifiers: ClinVar variation 3380852 (VCV003380852.1).